The following is an entry in ClinVar:

NM_001569.4(IRAK1):c.1920A>G (p.Thr640=)

Gene: IRAK1 (interleukin 1 receptor associated kinase 1; minus strand). Cytogenetic location: Xq28.
Variant type: single nucleotide variant.
Coding change: c.1920A>G on transcript NM_001569.4 (MANE Select); coding-DNA position 1920, A replaced by G.
Protein change: p.Thr640=; no amino-acid change (threonine 640 retained).
Molecular consequence: synonymous variant.
Genome position (GRCh38, 1-based): chrX:154,013,053, T>C on the plus strand (A>G on the coding strand, the complement: IRAK1 is on the minus strand). VCF-style: chrX-154013053-T-C. GRCh37 (hg19) VCF-style: chrX-153278504-T-C.
Other names: c.1830A>G, p.Thr610= (NM_001025242.2); c.1683A>G, p.Thr561= (NM_001025243.2); c.1908A>G, p.Thr636= (NM_001410701.1).
Identifiers: ClinVar variation 3388539 (VCV003388539.14).

ClinVar aggregate classification (germline): Likely benign (1 of 4 stars; one submission).

Submission:

CeGaT Center for Human Genetics Tuebingen
Classification: Likely benign. Last evaluated: 2024-09-01. Review status: criteria provided, single submitter. Criteria: CeGaT Center For Human Genetics Tuebingen Variant Classification Criteria Version 2. Collection method: clinical testing. Allele origin: germline. Affected: yes. Observed: 1 variant allele.
Comment: IRAK1: PM2:Supporting, BP4, BP7